The following is an entry in ClinVar:

NM_001089.3(ABCA3):c.4297_4303delinsCA (p.Glu1433fs)

Gene: ABCA3 (ATP binding cassette subfamily A member 3; minus strand). Cytogenetic location: 16p13.3.
Variant type: Indel.
Coding change: c.4297_4303delinsCA on transcript NM_001089.3 (MANE Select); coding-DNA positions 4297 to 4303, GAGAGCC replaced by CA.
Protein change: p.Glu1433fs; shifts the reading frame from glutamic acid 1433.
Molecular consequence: frameshift variant.
Genome position (GRCh38, 1-based): chr16:2,281,083-2,281,089, GGCTCTC replaced by TG on the plus strand (GAGAGCC replaced by CA on the coding strand, the reverse complement: ABCA3 is on the minus strand). VCF-style: chr16-2281083-GGCTCTC-TG. GRCh37 (hg19) VCF-style: chr16-2331084-GGCTCTC-TG.
Other names: short protein forms E1433fs.
Identifiers: ClinVar variation 5016320 (VCV005016320.1).
Genomic context (GRCh38, chr16:2,281,083, plus strand): 5'-CCACCTTTCCGACATCAGAGCTGATTCTGTGACCCCCGACAAAGGCATCCCCAGAAGTGA[GGCTCTC>TG]CTCCCCGGTCAGCATTTTGAAAGTCGTGGTCTTCCCGGCTCCATTGAAGCCCAGCAGGCC-3'

ClinVar aggregate classification (germline): Pathogenic (1 of 4 stars; one submission).

Conditions:
Interstitial lung disease due to ABCA3 deficiency. Also called: PULMONARY ALVEOLAR PROTEINOSIS, CONGENITAL, 3. Identifiers: Orphanet 440402, MedGen C1970456, MONDO:0012582, OMIM 610921.

Submission:

Myriad Genetics, Inc.
Classification: Pathogenic for Interstitial lung disease due to ABCA3 deficiency. Last evaluated: 2026-09-07. Review status: criteria provided, single submitter. Criteria: Myriad Autosomal Dominant, Autosomal Recessive and X-Linked Classification Criteria (2023). Collection method: clinical testing. Allele origin: unknown.
Comment: NM_001089.2(ABCA3):c.4297_4303del7ins2(E1433Hfs*16) is expected to be pathogenic in the context of surfactant deficiency, ABCA3-related. This variant is predicted to lead to an abnormal or absent protein product due to the creation of a premature termination codon in ABCA3, a gene where loss-of-function variants are known to be pathogenic. Please note: this variant was assessed in the context of healthy population screening.